The following is an entry in ClinVar:

ClinVar aggregate classification (germline): Uncertain significance. Review status: criteria provided, multiple submitters, no conflicts (2 of 4 stars). 2 submissions from 2 submitters: Uncertain significance (2). Last evaluated 2025-10-28.

Conditions:
Inborn genetic diseases. Identifiers: MedGen C0950123, MeSH D030342.
PKD1L1-related disorder. Also called: PKD1L1-related condition.

Allele frequency attached by ClinVar (database versions not stated): ExAC 0.00001; gnomAD 0.00003; gnomAD exomes 0.00007; TOPMed 0.00004.
gnomAD v4.1: 114 of 1,614,064 alleles (0.0071%); highest among the groups gnomAD compares: Non-Finnish European, 0.0091%; no homozygotes.

Submissions (2):

Ambry Genetics
Classification: Uncertain significance for Inborn genetic diseases. Last evaluated: 2025-10-28. Review status: criteria provided, single submitter. Criteria: Ambry Variant Classification Scheme 2023. Collection method: clinical testing. Allele origin: germline.

PreventionGenetics, part of Exact Sciences
Classification: Uncertain significance for PKD1L1-related condition. Last evaluated: 2023-09-05. Review status: criteria provided, single submitter. Criteria: ACMG Guidelines, 2015. Collection method: clinical testing. Allele origin: germline.
Comment: The PKD1L1 c.1886G>A variant is predicted to result in the amino acid substitution p.Gly629Asp. To our knowledge, this variant has not been reported in the literature. This variant is reported in 0.0093% of alleles in individuals of European (Non-Finnish) descent in gnomAD. At this time, the clinical significance of this variant is uncertain due to the absence of conclusive functional and genetic evidence.

NM_138295.5(PKD1L1):c.1886G>A (p.Gly629Asp)

Gene: PKD1L1 (polycystin 1 like 1, transient receptor potential channel interacting; minus strand). Cytogenetic location: 7p12.3.
Variant type: single nucleotide variant.
Coding change: c.1886G>A on transcript NM_138295.5 (MANE Select); coding-DNA position 1886, G replaced by A.
Protein change: p.Gly629Asp; replaces glycine 629 with aspartic acid.
Molecular consequence: missense variant.
Genome position (GRCh38, 1-based): chr7:47,904,423, C>T on the plus strand (G>A on the coding strand, the complement: PKD1L1 is on the minus strand). VCF-style: chr7-47904423-C-T. GRCh37 (hg19) VCF-style: chr7-47944020-C-T.
Other names: short protein forms G629D.
Identifiers: ClinVar variation 2635746 (VCV002635746.2), dbSNP rs778093920, ClinGen allele CA4253938.